The following is an entry in ClinVar:

NM_201269.3(ZNF644):c.830A>G (p.Asp277Gly)

Gene: ZNF644 (zinc finger protein 644; minus strand). Cytogenetic location: 1p22.2.
Variant type: single nucleotide variant.
Coding change: c.830A>G on transcript NM_201269.3 (MANE Select); coding-DNA position 830, A replaced by G.
Protein change: p.Asp277Gly; replaces aspartic acid 277 with glycine.
Molecular consequence: missense variant. On other transcripts: intron variant (2).
Genome position (GRCh38, 1-based): chr1:90,940,524, T>C on the plus strand (A>G on the coding strand, the complement: ZNF644 is on the minus strand). VCF-style: chr1-90940524-T-C. GRCh37 (hg19) VCF-style: chr1-91406081-T-C.
Other names: c.23-22370A>G (NM_032186.5, NM_016620.4); short protein forms D277G.
Identifiers: ClinVar variation 3822238 (VCV003822238.2).
Genomic context (GRCh38, chr1:90,940,524, plus strand): 5'-ACATCCATTTTTCGCTTTCTTTTTTTTTCTAGACCTATTTTAGAATGAGGTGGAGCTTTA[T>C]CTACTGTTTCCTCATTAGTCATAAGAAATTGAATGAACTCTTTTTGGGGATCCCAGTTTG-3'
Protein context (NP_958357.1, residues 267-287): QFLMTNEETV[Asp277Gly]KAPPHSKIGL

ClinVar aggregate classification (germline): Uncertain significance. Review status: criteria provided, multiple submitters, no conflicts (2 of 4 stars). 2 submissions from 2 submitters: Uncertain significance (2). Last evaluated 2025-08-21.

Conditions:
ZNF644-related disorder. Also called: ZNF644-related condition.

gnomAD v4.1: 253 of 1,614,016 alleles (0.016%); highest among the groups gnomAD compares: Middle Eastern, 0.066%; no homozygotes.

Submissions (2):

PreventionGenetics, part of Exact Sciences
Classification: Uncertain significance for ZNF644-related condition. Last evaluated: 2025-08-21. Review status: criteria provided, single submitter. Criteria: ACMG Guidelines, 2015. Collection method: clinical testing. Allele origin: germline.
Comment: The ZNF644 c.830A>G variant is predicted to result in the amino acid substitution p.Asp277Gly. To our knowledge, this variant has not been reported in the literature. This variant is present in 0.033% of alleles in individuals of South Asian descent in gnomAD, which may be too common to be an unreported cause of disease. Although we suspect that this variant may be benign, at this time, the clinical significance of this variant is uncertain due to the absence of conclusive functional and genetic evidence.

Ambry Genetics
Classification: Uncertain significance. Last evaluated: 2025-02-07. Review status: criteria provided, single submitter. Criteria: Ambry Variant Classification Scheme 2023. Collection method: clinical testing. Allele origin: germline.